The following is an entry in ClinVar:

NM_000478.6(ALPL):c.383dup (p.Val130fs)

Gene: ALPL (alkaline phosphatase, biomineralization associated; plus strand). Cytogenetic location: 1p36.12.
Variant type: Duplication.
Coding change: c.383dup on transcript NM_000478.6 (MANE Select); coding-DNA position 383, one base duplicated (T; older notation c.383dupT).
Protein change: p.Val130fs; shifts the reading frame from valine 130.
Molecular consequence: frameshift variant.
Genome position (GRCh38, 1-based): chr1:21,563,195, T duplicated. VCF-style (leftmost placement, unchanged base first): chr1-21563194-G-GT. GRCh37 (hg19) VCF-style: chr1-21889687-G-GT.
Other names: c.218dup, p.Val75fs (NM_001127501.4); c.152dup, p.Val53fs (NM_001177520.3); c.383dup, p.Val130fs (NM_001369803.2, NM_001369804.2, NM_001369805.2); short protein forms V130fs, V53fs, V75fs.
Identifiers: ClinVar variation 4086801 (VCV004086801.1).

ClinVar aggregate classification (germline): Pathogenic (1 of 4 stars; one submission).

Conditions:
Hypophosphatasia. Also called: Phosphoethanol-aminuria. Identifiers: Orphanet 436, MedGen C0020630, MeSH D007014, MONDO:0018570.

Submission:

Genomenon, Inc
Classification: Pathogenic for Hypophosphatasia. Last evaluated: 2025-08-29. Review status: criteria provided, single submitter. Criteria: Genomenon Sequence Variant Interpretation Standards. Collection method: curation. Allele origin: germline. Affected: yes.
Comment: ALPL p.Val130GlyfsTer6 (c.388dup) is a frameshift variant that results in the production of a truncated protein which is predicted to undergo nonsense-mediated mRNA decay. This variant has been observed in at least one proband affected with hypophosphatasia (PMID:26783040). It is absent or not present at a significant frequency in gnomAD. In conclusion, we classify ALPL p.Val130GlyfsTer6 (c.388dup) as a pathogenic variant.

Literature cited by the submitters: PubMed 26783040.